The following is an entry in ClinVar:

NM_001005242.3(PKP2):c.2408_2411del (p.Leu803fs)

Gene: PKP2 (plakophilin 2; minus strand). Cytogenetic location: 12p11.21.
Variant type: Deletion.
Coding change: c.2408_2411del on transcript NM_001005242.3 (MANE Select); coding-DNA positions 2408 to 2411, 4 bases deleted (TGTG; older notation c.2408_2411delTGTG).
Protein change: p.Leu803fs; shifts the reading frame from leucine 803.
Molecular consequence: frameshift variant.
Genome position (GRCh38, 1-based): chr12:32,792,678-32,792,681, CACA deleted on the plus strand (TGTG on the coding strand, the reverse complement: PKP2 is on the minus strand). VCF-style (leftmost placement, unchanged base first): chr12-32792677-CCACA-C. GRCh37 (hg19) VCF-style: chr12-32945611-CCACA-C.
Other names: c.2540_2543del, p.Leu847fs (NM_004572.4); short protein forms L847fs, L803fs.
Identifiers: ClinVar variation 1369432 (VCV001369432.6), dbSNP rs2137698036, ClinGen allele CA2573148715.

ClinVar aggregate classification (germline): Pathogenic (1 of 4 stars; one submission).

Conditions:
Arrhythmogenic right ventricular dysplasia 9 (ARVD9). Also called: Arrhythmogenic Right Ventricular Dysplasia/Cardiomyopathy 9; ARRHYTHMOGENIC RIGHT VENTRICULAR DYSPLASIA, FAMILIAL, 9. Identifiers: MedGen C1836906, MONDO:0012180, OMIM 609040.

Submission:

Labcorp Genetics (formerly Invitae), Labcorp
Classification: Pathogenic for Arrhythmogenic right ventricular dysplasia 9. Last evaluated: 2022-04-11. Review status: criteria provided, single submitter. Criteria: Invitae Variant Classification Sherloc (09022015). Collection method: clinical testing. Allele origin: germline.
Comment: For these reasons, this variant has been classified as Pathogenic. This variant results in an extension of the PKP2 protein. Other variant(s) that result in a similarly extended protein product (p.Glu852Asnfs*79) have been determined to be pathogenic (PMID: 19427443, 24125834; Invitae). This suggests that these extensions are likely to be disease-causing. This sequence change results in a frameshift in the PKP2 gene (p.Leu847Argfs*83). While this is not anticipated to result in nonsense mediated decay, it is expected to disrupt the last 35 amino acid(s) of the PKP2 protein and extend the protein by 47 additional amino acid residues. This variant is not present in population databases (gnomAD no frequency). This variant has not been reported in the literature in individuals affected with PKP2-related conditions.

Literature cited by the submitters: PubMed 19427443; PubMed 24125834.